The following is an entry in ClinVar:

ClinVar aggregate classification (germline): Uncertain significance (1 of 4 stars; one submission).

Submission:

Labcorp Genetics (formerly Invitae), Labcorp
Classification: Uncertain significance. Last evaluated: 2024-05-13. Review status: criteria provided, single submitter. Criteria: Invitae Variant Classification Sherloc (09022015). Collection method: clinical testing. Allele origin: germline.
Comment: This sequence change replaces arginine, which is basic and polar, with lysine, which is basic and polar, at codon 422 of the RPS6KC1 protein (p.Arg422Lys). This variant is not present in population databases (gnomAD no frequency). This variant has not been reported in the literature in individuals affected with RPS6KC1-related conditions. ClinVar contains an entry for this variant (Variation ID: 2131442). An algorithm developed to predict the effect of missense changes on protein structure and function (PolyPhen-2) suggests that this variant is likely to be tolerated. In summary, the available evidence is currently insufficient to determine the role of this variant in disease. Therefore, it has been classified as a Variant of Uncertain Significance.

NM_012424.6(RPS6KC1):c.1265G>A (p.Arg422Lys)

Gene: RPS6KC1 (ribosomal protein S6 kinase C1; plus strand). Cytogenetic location: 1q32.3.
Variant type: single nucleotide variant.
Coding change: c.1265G>A on transcript NM_012424.6 (MANE Select); coding-DNA position 1265, G replaced by A.
Protein change: p.Arg422Lys; replaces arginine 422 with lysine.
Molecular consequence: missense variant. On other transcripts: 5 prime UTR variant (11), non-coding transcript variant (4).
Genome position (GRCh38, 1-based): chr1:213,240,741, G>A. VCF-style: chr1-213240741-G-A. GRCh37 (hg19) VCF-style: chr1-213414084-G-A.
Other names: c.1229G>A, p.Arg410Lys (NM_001136138.4); c.629G>A, p.Arg210Lys (NM_001287218.3, NM_001287219.3, NM_001349654.2); c.-131G>A (NM_001287220.3, NM_001349663.2, NM_001349664.2 and 8 more transcripts); c.722G>A, p.Arg241Lys (NM_001287221.3, NM_001349648.2, NM_001349649.2 and 4 more transcripts); c.1172G>A, p.Arg391Lys (NM_001349646.2); c.902G>A, p.Arg301Lys (NM_001349647.2); c.374G>A, p.Arg125Lys (NM_001349657.2, NM_001349658.2); c.209G>A, p.Arg70Lys (NM_001349659.2, NM_001349660.2, NM_001349661.2 and 1 more transcripts); short protein forms R391K, R70K, R241K, R422K, R125K, R210K, R410K, R301K.
Identifiers: ClinVar variation 2131442 (VCV002131442.4), dbSNP rs2547608042, ClinGen allele CA344889204.